The following is an entry in ClinVar:

NM_001378120.1(MBD5):c.4141A>G (p.Asn1381Asp)

Gene: MBD5 (methyl-CpG binding domain protein 5; plus strand). Cytogenetic location: 2q23.1.
Variant type: single nucleotide variant.
Coding change: c.4141A>G on transcript NM_001378120.1 (MANE Select); coding-DNA position 4141, A replaced by G.
Protein change: p.Asn1381Asp; replaces asparagine 1381 with aspartic acid.
Molecular consequence: missense variant.
Genome position (GRCh38, 1-based): chr2:148,489,773, A>G. VCF-style: chr2-148489773-A-G. GRCh37 (hg19) VCF-style: chr2-149247342-A-G.
Other names: c.3442A>G, p.Asn1148Asp (NM_018328.5); short protein forms N1381D, N1148D.
Identifiers: ClinVar variation 2913692 (VCV002913692.3), dbSNP rs764746304, ClinGen allele CA1900382.

ClinVar aggregate classification (germline): Uncertain significance (1 of 4 stars; one submission).

Conditions:
Intellectual developmental disorder, autosomal dominant 1. Also called: MBD5 Haploinsufficiency; Intellectual disability, autosomal dominant 1. Identifiers: Orphanet 228402, MedGen C1969562, MONDO:0007974, OMIM 156200.

Allele frequency attached by ClinVar (database versions not stated): ExAC 0.00003; gnomAD exomes 0.00003.
gnomAD v4.1: 20 of 1,614,132 alleles (0.0012%); highest among the groups gnomAD compares: East Asian, 0.04%; no homozygotes.

Submission:

Labcorp Genetics (formerly Invitae), Labcorp
Classification: Uncertain significance for Intellectual developmental disorder, autosomal dominant 1. Last evaluated: 2023-12-19. Review status: criteria provided, single submitter. Criteria: Invitae Variant Classification Sherloc (09022015). Collection method: clinical testing. Allele origin: germline.
Comment: This sequence change replaces asparagine, which is neutral and polar, with aspartic acid, which is acidic and polar, at codon 1148 of the MBD5 protein (p.Asn1148Asp). This variant is present in population databases (rs764746304, gnomAD 0.02%). This variant has not been reported in the literature in individuals affected with MBD5-related conditions. Experimental studies and prediction algorithms are not available or were not evaluated, and the functional significance of this variant is currently unknown. In summary, the available evidence is currently insufficient to determine the role of this variant in disease. Therefore, it has been classified as a Variant of Uncertain Significance.